The following is an entry in ClinVar:

ClinVar aggregate classification (germline): Uncertain significance (1 of 4 stars; one submission).

Conditions:
TNF receptor-associated periodic fever syndrome (TRAPS) (FPF). Also called: Autosomal Dominant Familial Periodic Fever; FAMILIAL HIBERNIAN FEVER; TNF RECEPTOR-ASSOCIATED PERIODIC SYNDROME; TUMOR NECROSIS FACTOR RECEPTOR-ASSOCIATED PERIODIC SYNDROME; TNF Receptor-Associated Periodic Fever Syndrome; TNF receptor 1-associated periodic fever syndrome. Identifiers: Orphanet 32960, MedGen C1275126, MONDO:0007727, OMIM 142680.

Submission:

Labcorp Genetics (formerly Invitae), Labcorp
Classification: Uncertain significance for TNF receptor-associated periodic fever syndrome (TRAPS). Last evaluated: 2021-03-17. Review status: criteria provided, single submitter. Criteria: Invitae Variant Classification Sherloc (09022015). Collection method: clinical testing. Allele origin: germline.
Comment: This variant has not been reported in the literature in individuals with TNFRSF1A-related conditions. In summary, the available evidence is currently insufficient to determine the role of this variant in disease. Therefore, it has been classified as a Variant of Uncertain Significance. Advanced modeling of protein sequence and biophysical properties (such as structural, functional, and spatial information, amino acid conservation, physicochemical variation, residue mobility, and thermodynamic stability) performed at Invitae indicates that this missense variant is not expected to disrupt TNFRSF1A protein function. This variant is not present in population databases (ExAC no frequency). This sequence change replaces threonine with alanine at codon 264 of the TNFRSF1A protein (p.Thr264Ala). The threonine residue is weakly conserved and there is a small physicochemical difference between threonine and alanine.

NM_001065.4(TNFRSF1A):c.790A>G (p.Thr264Ala)

Gene: TNFRSF1A (TNF receptor superfamily member 1A; minus strand). Cytogenetic location: 12p13.31.
Variant type: single nucleotide variant.
Coding change: c.790A>G on transcript NM_001065.4 (MANE Select); coding-DNA position 790, A replaced by G.
Protein change: p.Thr264Ala; replaces threonine 264 with alanine.
Molecular consequence: missense variant. On other transcripts: non-coding transcript variant (1).
Genome position (GRCh38, 1-based): chr12:6,330,045, T>C on the plus strand (A>G on the coding strand, the complement: TNFRSF1A is on the minus strand). VCF-style: chr12-6330045-T-C. GRCh37 (hg19) VCF-style: chr12-6439211-T-C.
Other names: c.466A>G, p.Thr156Ala (NM_001346091.2); c.331A>G, p.Thr111Ala (NM_001346092.2); short protein forms T156A, T111A, T264A.
Identifiers: ClinVar variation 1470346 (VCV001470346.8), dbSNP rs2136815417, ClinGen allele CA383546165.